The following is an entry in ClinVar:

ClinVar aggregate classification (germline): Uncertain significance (1 of 4 stars; one submission).

Conditions:
Vici syndrome (VICIS). Identifiers: Orphanet 1493, MedGen C1855772, MONDO:0009452, OMIM 242840.

Allele frequency attached by ClinVar (database versions not stated): gnomAD 0.00001; ExAC 0.00002; TOPMed 0.00002.
gnomAD v4.1: 23 of 1,612,128 alleles (0.0014%); highest among the groups gnomAD compares: South Asian, 0.011%; no homozygotes.

Submission:

Labcorp Genetics (formerly Invitae), Labcorp
Classification: Uncertain significance for Vici syndrome. Last evaluated: 2022-08-09. Review status: criteria provided, single submitter. Criteria: Invitae Variant Classification Sherloc (09022015). Collection method: clinical testing. Allele origin: germline.
Comment: This sequence change replaces arginine, which is basic and polar, with histidine, which is basic and polar, at codon 1454 of the EPG5 protein (p.Arg1454His). This variant is present in population databases (rs766875773, gnomAD 0.01%). This variant has not been reported in the literature in individuals affected with EPG5-related conditions. Algorithms developed to predict the effect of missense changes on protein structure and function are either unavailable or do not agree on the potential impact of this missense change (SIFT: "Tolerated"; PolyPhen-2: "Probably Damaging"; Align-GVGD: "Class C0"). In summary, the available evidence is currently insufficient to determine the role of this variant in disease. Therefore, it has been classified as a Variant of Uncertain Significance.

NM_020964.3(EPG5):c.4361G>A (p.Arg1454His)

Gene: EPG5 (ectopic P-granules 5 autophagy tethering factor; minus strand). Cytogenetic location: 18q21.1.
Variant type: single nucleotide variant.
Coding change: c.4361G>A on transcript NM_020964.3 (MANE Select); coding-DNA position 4361, G replaced by A.
Protein change: p.Arg1454His; replaces arginine 1454 with histidine.
Molecular consequence: missense variant.
Genome position (GRCh38, 1-based): chr18:45,904,086, C>T on the plus strand (G>A on the coding strand, the complement: EPG5 is on the minus strand). VCF-style: chr18-45904086-C-T. GRCh37 (hg19) VCF-style: chr18-43484051-C-T.
Other names: c.4361G>A, p.Arg1454His (NM_001410858.1, NM_001410859.1); short protein forms R1454H.
Identifiers: ClinVar variation 2167140 (VCV002167140.1), dbSNP rs766875773, ClinGen allele CA8948878.